The following is an entry in ClinVar:

NM_001369.3(DNAH5):c.9788A>G (p.Lys3263Arg)

Gene: DNAH5 (dynein axonemal heavy chain 5; minus strand). Cytogenetic location: 5p15.2.
Variant type: single nucleotide variant.
Coding change: c.9788A>G on transcript NM_001369.3 (MANE Select); coding-DNA position 9788, A replaced by G.
Protein change: p.Lys3263Arg; replaces lysine 3263 with arginine.
Molecular consequence: missense variant.
Genome position (GRCh38, 1-based): chr5:13,769,069, T>C on the plus strand (A>G on the coding strand, the complement: DNAH5 is on the minus strand). VCF-style: chr5-13769069-T-C. GRCh37 (hg19) VCF-style: chr5-13769178-T-C.
Other names: short protein forms K3263R.
Identifiers: ClinVar variation 1898471 (VCV001898471.2), dbSNP rs141595747, ClinGen allele CA3202426.

ClinVar aggregate classification (germline): Uncertain significance (1 of 4 stars; one submission).

Conditions:
Primary ciliary dyskinesia. Also called: Ciliary dyskinesia. Identifiers: Orphanet 244, MedGen C0008780, MONDO:0016575, HP:0012265.

Allele frequency attached by ClinVar (database versions not stated): TOPMed 0.00001; gnomAD exomes 0.00002; ESP Exome Variant Server 0.00008; ExAC 0.00001; gnomAD 0.00001.
gnomAD v4.1: 35 of 1,614,098 alleles (0.0022%); highest among the groups gnomAD compares: Non-Finnish European, 0.0027%; no homozygotes.

Submission:

Labcorp Genetics (formerly Invitae), Labcorp
Classification: Uncertain significance for Primary ciliary dyskinesia. Last evaluated: 2022-04-17. Review status: criteria provided, single submitter. Criteria: Invitae Variant Classification Sherloc (09022015). Collection method: clinical testing. Allele origin: germline.
Comment: This sequence change replaces lysine, which is basic and polar, with arginine, which is basic and polar, at codon 3263 of the DNAH5 protein (p.Lys3263Arg). This variant is present in population databases (rs141595747, gnomAD 0.002%). This variant has not been reported in the literature in individuals affected with DNAH5-related conditions. Advanced modeling of protein sequence and biophysical properties (such as structural, functional, and spatial information, amino acid conservation, physicochemical variation, residue mobility, and thermodynamic stability) performed at Invitae indicates that this missense variant is not expected to disrupt DNAH5 protein function. Algorithms developed to predict the effect of sequence changes on RNA splicing suggest that this variant may create or strengthen a splice site. In summary, the available evidence is currently insufficient to determine the role of this variant in disease. Therefore, it has been classified as a Variant of Uncertain Significance.